The following is an entry in ClinVar:

NM_000235.4(LIPA):c.967-45AAC[4]

Gene: LIPA (lipase A, lysosomal acid type; minus strand). Cytogenetic location: 10q23.31.
Variant type: Microsatellite.
Coding change: c.967-45AAC[4] on transcript NM_000235.4 (MANE Select); four copies in a row of the 3-base unit AAC starting at c.967-45; the reference has five copies in a row; one copy, 3 bases deleted.
Molecular consequence: intron variant.
Genome position (GRCh38, 1-based): chr10:89,215,092-89,215,094, GTT deleted on the plus strand (AAC on the coding strand, the reverse complement: LIPA is on the minus strand); deleting any 3 consecutive bases within chr10:89,215,092-89,215,106 gives the same sequence; the position shown is the placement nearest the transcript's 3' end. VCF-style (leftmost placement, unchanged base first): chr10-89215091-CGTT-C. GRCh37 (hg19) VCF-style: chr10-90974848-CGTT-C.
Other names: c.619-45AAC[4] (NM_001288979.2); c.967-45AAC[4] (NM_001127605.3).
Identifiers: ClinVar variation 1691739 (VCV001691739.2), dbSNP rs541918885, ClinGen allele CA5593541.

ClinVar aggregate classification (germline): Likely benign (1 of 4 stars; one submission).

Submission:

GeneDx
Classification: Likely benign. Last evaluated: 2021-05-21. Review status: criteria provided, single submitter. Criteria: GeneDx Variant Classification Process June 2021. Collection method: clinical testing. Allele origin: germline. Affected: yes.
Comment: See Variant Classification Assertion Criteria.